The following is an entry in ClinVar:

ClinVar aggregate classification (germline): Uncertain significance. Review status: criteria provided, multiple submitters, no conflicts (2 of 4 stars). 6 submissions from 6 submitters: Uncertain significance (5). 1 of the submissions does not count toward it. Last evaluated 2026-01-27.

Conditions:
Familial isolated arrhythmogenic right ventricular dysplasia. Identifiers: Orphanet 217656, MedGen C4274968, MONDO:0016342.
Arrhythmogenic right ventricular dysplasia 11. Also called: Arrhythmogenic Right Ventricular Dysplasia/Cardiomyopathy11; Arrhythmogenic right ventricular dysplasia 11 with mild palmoplantar keratoderma and woolly hair; ARRHYTHMOGENIC RIGHT VENTRICULAR DYSPLASIA, FAMILIAL, 11. Identifiers: MedGen C1864850, MONDO:0012506, OMIM 610476.
DSC2-related disorder. Also called: DSC2-related condition.
Cardiovascular phenotype. Identifiers: MedGen CN230736.
Cardiomyopathy (CMYO). Also called: Cardiomyopathies. Identifiers: Orphanet 167848, MedGen C0878544, MONDO:0004994, HP:0001638. Inheritance: Various modes of inheritance.

Allele frequency attached by ClinVar (database versions not stated): gnomAD exomes below 0.00001 and 0.00001; TOPMed 0.00002; gnomAD 0.00003.
gnomAD v4.1: 7 of 1,613,980 alleles (0.00043%); highest among the groups gnomAD compares: African/African-American, 0.008%; no homozygotes.

Submissions (6):

Labcorp Genetics (formerly Invitae), Labcorp
Classification: Uncertain significance for Arrhythmogenic right ventricular dysplasia 11. Last evaluated: 2026-01-27. Review status: criteria provided, single submitter. Criteria: Invitae Variant Classification Sherloc (09022015). Collection method: clinical testing. Allele origin: germline.
Comment: This sequence change replaces proline, which is neutral and non-polar, with leucine, which is neutral and non-polar, at codon 273 of the DSC2 protein (p.Pro273Leu). This variant is present in population databases (no rsID available, gnomAD 0.01%). This variant has not been reported in the literature in individuals affected with DSC2-related conditions. ClinVar contains an entry for this variant (Variation ID: 220972). Invitae Evidence Modeling of protein sequence and biophysical properties (such as structural, functional, and spatial information, amino acid conservation, physicochemical variation, residue mobility, and thermodynamic stability) indicates that this missense variant is expected to disrupt DSC2 protein function with a positive predictive value of 80%. In summary, the available evidence is currently insufficient to determine the role of this variant in disease. Therefore, it has been classified as a Variant of Uncertain Significance.

Ambry Genetics
Classification: Uncertain significance for Cardiovascular phenotype. Last evaluated: 2025-03-26. Review status: criteria provided, single submitter. Criteria: Ambry Variant Classification Scheme 2023. Collection method: clinical testing. Allele origin: germline.
Comment: The p.P273L variant (also known as c.818C>T), located in coding exon 7 of the DSC2 gene, results from a C to T substitution at nucleotide position 818. The proline at codon 273 is replaced by leucine, an amino acid with similar properties. This amino acid position is well conserved in available vertebrate species. In addition, the in silico prediction for this alteration is inconclusive. Based on the available evidence, the clinical significance of this variant remains unclear.

All of Us Research Program, National Institutes of Health
Classification: Uncertain significance for Familial isolated arrhythmogenic right ventricular dysplasia. Last evaluated: 2024-08-13. Review status: criteria provided, single submitter. Criteria: ACMG Guidelines, 2015. Collection method: clinical testing. Allele origin: germline. Inheritance: Autosomal dominant inheritance. Observed: 5 variant alleles, 5 heterozygotes.
Comment: This missense variant replaces proline with leucine at codon 273 of the DSC2 protein. Computational prediction suggests that this variant may not impact protein structure and function (internally defined REVEL score threshold <= 0.5, PMID: 27666373). To our knowledge, functional studies have not been reported for this variant. This variant has not been reported in individuals affected with DSC2-related disorders in the literature. This variant has been identified in 4/282722 chromosomes in the general population by the Genome Aggregation Database (gnomAD). The available evidence is insufficient to determine the role of this variant in disease conclusively. Therefore, this variant is classified as a Variant of Uncertain Significance.

This study involves interpretation of variants in research participants for the purpose of population health screening. Participant phenotype was not available at the time of variant classification. Additional details can be found in publication PMID: 35346344, PMCID: PMC8962531

Color Diagnostics, LLC DBA Color Health
Classification: Uncertain significance for Cardiomyopathy. Last evaluated: 2024-01-30. Review status: criteria provided, single submitter. Criteria: ACMG Guidelines, 2015. Collection method: clinical testing. Allele origin: germline.
Comment: This missense variant replaces proline with leucine at codon 273 of the DSC2 protein. Computational prediction suggests that this variant may not impact protein structure and function. To our knowledge, functional studies have not been reported for this variant. This variant has not been reported in individuals affected with DSC2-related disorders in the literature. This variant has been identified in 4/282722 chromosomes in the general population by the Genome Aggregation Database (gnomAD). The available evidence is insufficient to determine the role of this variant in disease conclusively. Therefore, this variant is classified as a Variant of Uncertain Significance.

Blueprint Genetics
Classification: Uncertain significance. Last evaluated: 2019-10-15. Review status: criteria provided, single submitter. Criteria: ACMG Guidelines, 2015. Collection method: clinical testing. Allele origin: germline.

PreventionGenetics, part of Exact Sciences
Classification: Uncertain significance for DSC2-related condition. Last evaluated: 2023-12-13. Review status: no assertion criteria provided. Collection method: clinical testing. Allele origin: germline. Not counted in ClinVar's aggregate classification.
Comment: The DSC2 c.818C>T variant is predicted to result in the amino acid substitution p.Pro273Leu. To our knowledge, this variant has not been reported in the literature. This variant is reported in 0.012% of alleles in individuals of African descent in gnomAD. At this time, the clinical significance of this variant is uncertain due to the absence of conclusive functional and genetic evidence.

NM_024422.6(DSC2):c.818C>T (p.Pro273Leu)

Gene: DSC2 (desmocollin 2; minus strand). Cytogenetic location: 18q12.1.
Variant type: single nucleotide variant.
Coding change: c.818C>T on transcript NM_024422.6 (MANE Select); coding-DNA position 818, C replaced by T.
Protein change: p.Pro273Leu; replaces proline 273 with leucine.
Molecular consequence: missense variant.
Genome position (GRCh38, 1-based): chr18:31,086,700, G>A on the plus strand (C>T on the coding strand, the complement: DSC2 is on the minus strand). VCF-style: chr18-31086700-G-A. GRCh37 (hg19) VCF-style: chr18-28666663-G-A.
Other names: c.818C>T, p.Pro273Leu (NM_004949.5); short protein forms P273L.
Identifiers: ClinVar variation 220972 (VCV000220972.16), dbSNP rs864622708, ClinGen allele CA348684.